The following is an entry in ClinVar:

NM_001127713.1(ATL1):c.-140+55A>T

Genes: ATL1 (atlastin GTPase 1; plus strand), MAP4K5 (mitogen-activated protein kinase kinase kinase kinase 5; minus strand). Cytogenetic location: 14q22.1.
Variant type: single nucleotide variant.
Coding change: c.-140+55A>T on transcript NM_001127713.1; 55 bases into the intron after 140 bases upstream of the start codon, A replaced by T.
Molecular consequence: intron variant.
Genome position (GRCh38, 1-based): chr14:50,533,422, A>T. VCF-style: chr14-50533422-A-T. GRCh37 (hg19) VCF-style: chr14-51000140-A-T.
Identifiers: ClinVar variation 678056 (VCV000678056.4), dbSNP rs7152509, ClinGen allele CA260778871.
Genomic context (GRCh38, chr14:50,533,422, plus strand): 5'-AAGAGGGTAAGATTTTGCATCTGACACCCAGGAAAGTGTTTATAAAGCGTTTTACAGGAT[A>T]GTAAGGGGGGTTATCGAATATAAGAGGTCTTAAAATACTTAACAATGCACAGCATATATG-3'

ClinVar aggregate classification (germline): Benign. Review status: criteria provided, multiple submitters, no conflicts (2 of 4 stars). 2 submissions from 2 submitters: Benign (2). Last evaluated 2018-06-20.

Allele frequency attached by ClinVar (database versions not stated): gnomAD 0.99378 and 0.99329; 1000 Genomes Project 30x 0.99391; 1000 Genomes Project 0.99421; TOPMed 0.99318.

Submissions (2):

GeneDx
Classification: Benign. Last evaluated: 2018-06-20. Review status: criteria provided, single submitter. Criteria: GeneDx Variant Classification (06012015). Collection method: clinical testing. Allele origin: germline. Affected: yes.
Comment: This variant is considered likely benign or benign based on one or more of the following criteria: it is a conservative change, it occurs at a poorly conserved position in the protein, it is predicted to be benign by multiple in silico algorithms, and/or has population frequency not consistent with disease.

Breakthrough Genomics
Classification: Benign. Review status: criteria provided, single submitter. Criteria: ACMG Guidelines, 2015. Collection method: not provided. Allele origin: germline. Inheritance: Autosomal dominant inheritance. Affected: yes.